The following is an entry in ClinVar:

NM_001365999.1(SZT2):c.263C>T (p.Thr88Ile)

Gene: SZT2 (SZT2 subunit of KICSTOR complex; plus strand). Cytogenetic location: 1p34.2.
Variant type: single nucleotide variant.
Coding change: c.263C>T on transcript NM_001365999.1 (MANE Select); coding-DNA position 263, C replaced by T.
Protein change: p.Thr88Ile; replaces threonine 88 with isoleucine.
Molecular consequence: missense variant.
Genome position (GRCh38, 1-based): chr1:43,403,710, C>T. VCF-style: chr1-43403710-C-T. GRCh37 (hg19) VCF-style: chr1-43869381-C-T.
Other names: c.263C>T, p.Thr88Ile (NM_015284.4); short protein forms T88I.
Identifiers: ClinVar variation 5006632 (VCV005006632.2).

ClinVar aggregate classification (germline): Uncertain significance (1 of 4 stars; one submission).

Conditions:
Developmental and epileptic encephalopathy, 18 (DEE18). Also called: Early infantile epileptic encephalopathy 18. Identifiers: Orphanet 369894, MedGen C3809624, MONDO:0014201, OMIM 615476.

gnomAD v4.1: 17 of 1,614,156 alleles (0.0011%); highest among the groups gnomAD compares: East Asian, 0.0022%; no homozygotes.

Submission:

Juno Genomics, Hangzhou Juno Genomics, Inc
Classification: Uncertain significance for Developmental and epileptic encephalopathy, 18. Review status: criteria provided, single submitter. Criteria: ACMG Guidelines, 2015. Collection method: clinical testing. Allele origin: germline.
Comment: Absent from controls (or at extremely low frequency if recessive) in Genome Aggregation Database.;Missense variant in a gene that has a low rate of benign missense variation.